The following is an entry in ClinVar:

NM_001845.6(COL4A1):c.2446C>A (p.Pro816Thr)

Gene: COL4A1 (collagen type IV alpha 1 chain; minus strand). Cytogenetic location: 13q34.
Variant type: single nucleotide variant.
Coding change: c.2446C>A on transcript NM_001845.6 (MANE Select); coding-DNA position 2446, C replaced by A.
Protein change: p.Pro816Thr; replaces proline 816 with threonine.
Molecular consequence: missense variant.
Genome position (GRCh38, 1-based): chr13:110,178,935, G>T on the plus strand (C>A on the coding strand, the complement: COL4A1 is on the minus strand). VCF-style: chr13-110178935-G-T. GRCh37 (hg19) VCF-style: chr13-110831282-G-T.
Other names: short protein forms P816T.
Identifiers: ClinVar variation 1974956 (VCV001974956.6), dbSNP rs2501782184, ClinGen allele CA388668270.
Genomic context (GRCh38, chr13:110,178,935, plus strand): 5'-GAAAAGCATGCTTTTGGGAACAGATAATTCTAGAAGCATGTCACTCACCTGACAACCCCG[G>T]TGGTCCCTGTCCTCCAGGGGGACCCCTAGCTCCAGGGGGGCCTATTCCTGGAACTCCTGG-3'
Protein context (NP_001836.3, residues 806-826): ARGPPGGQGP[Pro816Thr]GLSGPPGIKG

ClinVar aggregate classification (germline): Uncertain significance. Review status: criteria provided, multiple submitters, no conflicts (2 of 4 stars). 2 submissions from 2 submitters: Uncertain significance (2). Last evaluated 2026-08-06.

Conditions:
Retinal arterial tortuosity. Also called: RETINAL HEMORRHAGE WITH VASCULAR TORTUOSITY; Retinal arteries, tortuosity of. Identifiers: Orphanet 75326, MedGen C0423401, MONDO:0008373, OMIM 180000, HP:0000631.

Submissions (2):

OLLIN Analises Genomicas, OLLIN
Classification: Uncertain significance for Retinal arterial tortuosity. Last evaluated: 2026-08-06. Review status: criteria provided, single submitter. Criteria: ACMG Guidelines 2015 PMID 25741868. Collection method: clinical testing. Allele origin: germline. Inheritance: Autosomal dominant inheritance.
Comment: This missense variant, located in exon 31 (of 52), is absent from gnomAD and has not been identified in the literature. However, it has been reported in ClinVar (accession VCV001974956.5). In silico analysis is inconclusive regarding the impact of this variant. This gene is constrained for missense variation. According to the currently available evidence, this variant has been classified as uncertain significance (PM2_P, PP2).

Labcorp Genetics (formerly Invitae), Labcorp
Classification: Uncertain significance. Last evaluated: 2022-06-25. Review status: criteria provided, single submitter. Criteria: Invitae Variant Classification Sherloc (09022015). Collection method: clinical testing. Allele origin: germline.
Comment: Advanced modeling of protein sequence and biophysical properties (such as structural, functional, and spatial information, amino acid conservation, physicochemical variation, residue mobility, and thermodynamic stability) performed at Invitae indicates that this missense variant is not expected to disrupt COL4A1 protein function. This sequence change replaces proline, which is neutral and non-polar, with threonine, which is neutral and polar, at codon 816 of the COL4A1 protein (p.Pro816Thr). This variant is not present in population databases (gnomAD no frequency). This variant has not been reported in the literature in individuals affected with COL4A1-related conditions. In summary, the available evidence is currently insufficient to determine the role of this variant in disease. Therefore, it has been classified as a Variant of Uncertain Significance.